The following is an entry in ClinVar:

NM_000047.3(ARSL):c.1387G>A (p.Ala463Thr)

Gene: ARSL (arylsulfatase L; minus strand). Cytogenetic location: Xp22.33.
Variant type: single nucleotide variant.
Coding change: c.1387G>A on transcript NM_000047.3 (MANE Select); coding-DNA position 1387, G replaced by A.
Protein change: p.Ala463Thr; replaces alanine 463 with threonine.
Molecular consequence: missense variant.
Genome position (GRCh38, 1-based): chrX:2,936,766, C>T on the plus strand (G>A on the coding strand, the complement: ARSL is on the minus strand). VCF-style: chrX-2936766-C-T. GRCh37 (hg19) VCF-style: chrX-2854807-C-T.
Other names: c.1462G>A, p.Ala488Thr (NM_001282628.2, NM_001369080.1); c.1225G>A, p.Ala409Thr (NM_001282631.2); c.1414G>A, p.Ala472Thr (NM_001369079.1); short protein forms A463T, A488T, A409T, A472T.
Identifiers: ClinVar variation 430164 (VCV000430164.4), dbSNP rs1131691809, ClinGen allele CA412276592.

ClinVar aggregate classification (germline): Pathogenic (1 of 4 stars; one submission).

Allele frequency attached by ClinVar (database versions not stated): gnomAD exomes 0.00001.
gnomAD v4.1: 3 of 1,211,075 alleles (0.00025%); highest among the groups gnomAD compares: East Asian, 0.003%; no homozygotes.

Submission:

GeneDx
Classification: Pathogenic. Last evaluated: 2025-03-11. Review status: criteria provided, single submitter. Criteria: GeneDx Variant Classification Process June 2021. Collection method: clinical testing. Allele origin: germline. Affected: yes.
Comment: Identified in a patient with X-linked chondrodysplasia punctata 1 phenotype, but specific clinical information was not provided and it is unknown whether this individual was screened for variants in other genes associated with features (PMID: 23470839); Published functional studies demonstrate a damaging effect with negligible arylsulfatase E activity (PMID: 23470839); Not observed at significant frequency in large population cohorts (gnomAD); In silico analysis supports that this missense variant has a deleterious effect on protein structure/function; This variant is associated with the following publications: (PMID: 26526591, 38053926, 23470839, 33528536)